The following is an entry in ClinVar:

ClinVar aggregate classification (germline): Conflicting classifications of pathogenicity. Review status: criteria provided, conflicting classifications (1 of 4 stars). 2 submissions from 2 submitters: Uncertain significance (1); Likely benign (1). Last evaluated 2026-07-31.

Conditions:
Hereditary cancer-predisposing syndrome. Also called: Tumor predisposition; Hereditary Cancer Syndrome; Hereditary neoplastic syndrome; Neoplastic Syndromes, Hereditary. Identifiers: Orphanet 140162, MedGen C0027672, MeSH D009386, MONDO:0015356.
POLD1-related polyposis and colorectal cancer syndrome (CRCS10). Also called: Colorectal cancer 10; Colorectal cancer, susceptibility to, 10; COLORECTAL CANCER, SUSCEPTIBILITY TO, ON CHROMOSOME 19q. Identifiers: Orphanet 220460, MedGen C2675481, MONDO:0012953, OMIM 612591.

Submissions (2):

Ambry Genetics
Classification: Likely benign for Hereditary cancer-predisposing syndrome. Last evaluated: 2026-07-31. Review status: criteria provided, single submitter. Criteria: Ambry Variant Classification Scheme 2023. Collection method: clinical testing. Allele origin: germline.

Labcorp Genetics (formerly Invitae), Labcorp
Classification: Uncertain significance for POLD1-related polyposis and colorectal cancer syndrome. Last evaluated: 2023-07-07. Review status: criteria provided, single submitter. Criteria: Invitae Variant Classification Sherloc (09022015). Collection method: clinical testing. Allele origin: germline.
Comment: In summary, the available evidence is currently insufficient to determine the role of this variant in disease. Therefore, it has been classified as a Variant of Uncertain Significance. Advanced modeling of protein sequence and biophysical properties (such as structural, functional, and spatial information, amino acid conservation, physicochemical variation, residue mobility, and thermodynamic stability) performed at Invitae indicates that this missense variant is not expected to disrupt POLD1 protein function. ClinVar contains an entry for this variant (Variation ID: 2150745). This variant has not been reported in the literature in individuals affected with POLD1-related conditions. This variant is not present in population databases (gnomAD no frequency). This sequence change replaces threonine, which is neutral and polar, with isoleucine, which is neutral and non-polar, at codon 845 of the POLD1 protein (p.Thr845Ile).

NM_002691.4(POLD1):c.2534C>T (p.Thr845Ile)

Gene: POLD1 (DNA polymerase delta 1, catalytic subunit; plus strand). Cytogenetic location: 19q13.33.
Variant type: single nucleotide variant.
Coding change: c.2534C>T on transcript NM_002691.4 (MANE Select); coding-DNA position 2534, C replaced by T.
Protein change: p.Thr845Ile; replaces threonine 845 with isoleucine.
Molecular consequence: missense variant. On other transcripts: non-coding transcript variant (1).
Genome position (GRCh38, 1-based): chr19:50,414,960, C>T. VCF-style: chr19-50414960-C-T. GRCh37 (hg19) VCF-style: chr19-50918217-C-T.
Other names: c.2534C>T, p.Thr845Ile (NM_001256849.1); c.2612C>T, p.Thr871Ile (NM_001308632.1); c.2534C>T (NM_002691.2); short protein forms T871I, T845I.
Identifiers: ClinVar variation 2150745 (VCV002150745.5), dbSNP rs2514048874, ClinGen allele CA406985202.